The following is an entry in ClinVar:

ClinVar aggregate classification (germline): Uncertain significance (1 of 4 stars; one submission).

Submission:

Labcorp Genetics (formerly Invitae), Labcorp
Classification: Uncertain significance. Last evaluated: 2025-04-14. Review status: criteria provided, single submitter. Criteria: Invitae Variant Classification Sherloc (09022015). Collection method: clinical testing. Allele origin: germline.
Comment: This sequence change creates a premature translational stop signal (p.Thr290Serfs*21) in the CLUAP1 gene. It is expected to result in an absent or disrupted protein product. However, the current clinical and genetic evidence is not sufficient to establish whether loss-of-function variants in CLUAP1 cause disease. This variant is present in population databases (rs767006214, gnomAD 0.004%). This variant has not been reported in the literature in individuals affected with CLUAP1-related conditions. In summary, the available evidence is currently insufficient to determine the role of this variant in disease. Therefore, it has been classified as a Variant of Uncertain Significance.

NM_015041.3(CLUAP1):c.868_869del (p.Thr290fs)

Gene: CLUAP1 (clusterin associated protein 1; plus strand). Cytogenetic location: 16p13.3.
Variant type: Microsatellite.
Coding change: c.868_869del on transcript NM_015041.3 (MANE Select); coding-DNA positions 868 to 869, 2 bases deleted (AC; older notation c.868_869delAC).
Protein change: p.Thr290fs; shifts the reading frame from threonine 290.
Molecular consequence: frameshift variant.
Genome position (GRCh38, 1-based): chr16:3,526,424-3,526,425, AC deleted; deleting any 2 consecutive bases within chr16:3,526,422-3,526,425 gives the same sequence; the c. name uses the placement nearest the transcript's 3' end. VCF-style (leftmost placement, unchanged base first): chr16-3526421-AAC-A. GRCh37 (hg19) VCF-style: chr16-3576421-AAC-A.
Other names: c.868_869del, p.Thr290fs (NM_001330454.2); c.370_371del, p.Thr124fs (NM_024793.3); short protein forms T124fs, T290fs.
Identifiers: ClinVar variation 1955984 (VCV001955984.5), dbSNP rs767006214, ClinGen allele CA7863880.